The following is an entry in ClinVar:

NM_015461.3(ZNF521):c.698C>T (p.Ser233Phe)

Gene: ZNF521 (zinc finger protein 521; minus strand). Cytogenetic location: 18q11.2.
Variant type: single nucleotide variant.
Coding change: c.698C>T on transcript NM_015461.3 (MANE Select); coding-DNA position 698, C replaced by T.
Protein change: p.Ser233Phe; replaces serine 233 with phenylalanine.
Molecular consequence: missense variant.
Genome position (GRCh38, 1-based): chr18:25,227,220, G>A on the plus strand (C>T on the coding strand, the complement: ZNF521 is on the minus strand). VCF-style: chr18-25227220-G-A. GRCh37 (hg19) VCF-style: chr18-22807184-G-A.
Other names: c.38C>T, p.Ser13Phe (NM_001308225.2); short protein forms S233F, S13F.
Identifiers: ClinVar variation 560244 (VCV000560244.6), dbSNP rs200375993, ClinGen allele CA8920562.

ClinVar aggregate classification (germline): Uncertain significance. Review status: criteria provided, multiple submitters, no conflicts (2 of 4 stars). 2 submissions from 2 submitters: Uncertain significance (2). Last evaluated 2025-08-13.

Allele frequency attached by ClinVar (database versions not stated): ExAC 0.00002; gnomAD exomes 0.00002; 1000 Genomes Project 30x 0.00031; gnomAD 0.00034 and 0.00036; 1000 Genomes Project 0.00040; TOPMed 0.00057.
gnomAD v4.1: 89 of 1,614,102 alleles (0.0055%); highest among the groups gnomAD compares: Admixed American, 0.11%; no homozygotes.

Submissions (2):

Ambry Genetics
Classification: Uncertain significance. Last evaluated: 2025-08-13. Review status: criteria provided, single submitter. Criteria: Ambry Variant Classification Scheme 2023. Collection method: clinical testing. Allele origin: germline.

Geisinger Autism and Developmental Medicine Institute, Geisinger Health System
Classification: Uncertain significance. Last evaluated: 2018-02-23. Review status: criteria provided, single submitter. Criteria: ACMG Guidelines, 2015. Collection method: provider interpretation, clinical testing. Allele origin: maternal. Observed: 1 variant allele.
Comment: The variant is present in the gnomAD Latino population at 0.0087% and as high as 1% in the Puerto Rican population from 1000Genomes. Computational prediction models are inconsistent. A second missense change in ZNF521 was also identified in trans. This is a gene of uncertain significance; no known human disorders have been clearly associated with this gene.